The following is an entry in ClinVar:

NM_006206.6(PDGFRA):c.3214A>C (p.Met1072Leu)

Gene: PDGFRA (platelet derived growth factor receptor alpha; plus strand). Cytogenetic location: 4q12.
Variant type: single nucleotide variant.
Coding change: c.3214A>C on transcript NM_006206.6 (MANE Select); coding-DNA position 3214, A replaced by C.
Protein change: p.Met1072Leu; replaces methionine 1072 with leucine.
Molecular consequence: missense variant.
Genome position (GRCh38, 1-based): chr4:54,295,216, A>C. VCF-style: chr4-54295216-A-C. GRCh37 (hg19) VCF-style: chr4-55161383-A-C.
Other names: c.3289A>C, p.Met1097Leu (NM_001347828.2); c.3214A>C, p.Met1072Leu (NM_001347829.2); c.3253A>C, p.Met1085Leu (NM_001347830.2); short protein forms M1085L, M1072L, M1097L.
Identifiers: ClinVar variation 2453875 (VCV002453875.2), dbSNP rs1724824777, ClinGen allele CA356896641.

ClinVar aggregate classification (germline): Uncertain significance (1 of 4 stars; one submission).

Conditions:
Hereditary cancer-predisposing syndrome. Also called: Neoplastic Syndromes, Hereditary; Hereditary neoplastic syndrome; Tumor predisposition; Hereditary Cancer Syndrome. Identifiers: Orphanet 140162, MedGen C0027672, MeSH D009386, MONDO:0015356.

Submission:

Ambry Genetics
Classification: Uncertain significance for Hereditary cancer-predisposing syndrome. Last evaluated: 2023-02-19. Review status: criteria provided, single submitter. Criteria: Ambry Variant Classification Scheme 2023. Collection method: clinical testing. Allele origin: germline.
Comment: The p.M1072L variant (also known as c.3214A>C), located in coding exon 22 of the PDGFRA gene, results from an A to C substitution at nucleotide position 3214. The methionine at codon 1072 is replaced by leucine, an amino acid with highly similar properties. This amino acid position is conserved. In addition, this alteration is predicted to be tolerated by in silico analysis. Since supporting evidence is limited at this time, the clinical significance of this alteration remains unclear.